The following is an entry in ClinVar:

GRCh37/hg19 14q24.3(chr14:74040231-76368547)

Genes: MLH3 (mutL homolog 3; minus strand), NEK9 (NIMA related kinase 9; minus strand), NPC2 (NPC intracellular cholesterol transporter 2; minus strand), SYNDIG1L (synapse differentiation inducing 1 like; minus strand), TMED10 (transmembrane p24 trafficking protein 10; minus strand) and 35 more. Cytogenetic location: 14q24.3.
Variant type: copy number loss.
Identifiers: ClinVar variation 625564 (VCV000625564.1).

ClinVar aggregate classification (germline): Likely pathogenic (1 of 4 stars; one submission).

Submission:

Baylor Genetics
Classification: Likely pathogenic. Last evaluated: 2018-11-01. Review status: criteria provided, single submitter. Criteria: ACMG CNV Guidelines, 2011. Collection method: clinical testing. Allele origin: germline. Observed: 1 variant allele.